The following is an entry in ClinVar:

ClinVar aggregate classification (germline): Benign/Likely benign. Review status: criteria provided, multiple submitters, no conflicts (2 of 4 stars). 3 submissions from 3 submitters: Benign (2); Likely benign (1). Last evaluated 2023-03-01.

Allele frequency attached by ClinVar (database versions not stated): gnomAD exomes 0.00448 and 0.00375; 1000 Genomes Project 30x 0.00078; 1000 Genomes Project 0.00080; ESP Exome Variant Server 0.00331; TOPMed 0.00335; ExAC 0.00337; gnomAD 0.00346 and 0.00354.

Submissions (3):

CeGaT Center for Human Genetics Tuebingen
Classification: Likely benign. Last evaluated: 2023-03-01. Review status: criteria provided, single submitter. Criteria: CeGaT Center For Human Genetics Tuebingen Variant Classification Criteria Version 2. Collection method: clinical testing. Allele origin: germline. Affected: yes. Observed: 2 variant alleles.
Comment: SALL3: BP4, BP7

Labcorp Genetics (formerly Invitae), Labcorp
Classification: Benign. Last evaluated: 2019-12-31. Review status: criteria provided, single submitter. Criteria: Invitae Variant Classification Sherloc (09022015). Collection method: clinical testing. Allele origin: germline.

Breakthrough Genomics
Classification: Benign. Review status: criteria provided, single submitter. Criteria: ACMG Guidelines, 2015. Collection method: not provided. Allele origin: germline. Inheritance: Unknown mechanism. Affected: yes.

NM_171999.4(SALL3):c.2235G>A (p.Gln745=)

Gene: SALL3 (spalt like transcription factor 3; plus strand). Cytogenetic location: 18q23.
Variant type: single nucleotide variant.
Coding change: c.2235G>A on transcript NM_171999.4 (MANE Select); coding-DNA position 2235, G replaced by A.
Protein change: p.Gln745=; no amino-acid change (glutamine 745 retained).
Molecular consequence: synonymous variant.
Genome position (GRCh38, 1-based): chr18:78,994,226, G>A. VCF-style: chr18-78994226-G-A. GRCh37 (hg19) VCF-style: chr18-76754226-G-A.
Identifiers: ClinVar variation 777279 (VCV000777279.29), dbSNP rs117543046, ClinGen allele CA9006563.